The following is an entry in ClinVar:

NM_031935.3(HMCN1):c.4313G>T (p.Gly1438Val)

Gene: HMCN1 (hemicentin 1; plus strand). Cytogenetic location: 1q31.1.
Variant type: single nucleotide variant.
Coding change: c.4313G>T on transcript NM_031935.3 (MANE Select); coding-DNA position 4313, G replaced by T.
Protein change: p.Gly1438Val; replaces glycine 1438 with valine.
Molecular consequence: missense variant.
Genome position (GRCh38, 1-based): chr1:186,001,706, G>T. VCF-style: chr1-186001706-G-T. GRCh37 (hg19) VCF-style: chr1-185970838-G-T.
Other names: short protein forms G1438V.
Identifiers: ClinVar variation 2168436 (VCV002168436.4), dbSNP rs1653212996, ClinGen allele CA343877721.
Genomic context (GRCh38, chr1:186,001,706, plus strand): 5'-TCTTCAGAGCCACTCCAGAGGATGCAGGAAGATATTCCTGCAAAGCAATTAATATTGCAG[G>T]CACTTCTCAGAAGTACTTTAACATTGATGTGCTAGGTAAGAAATACATCCTTTTAAAAAA-3'
Protein context (NP_114141.2, residues 1428-1448): RYSCKAINIA[Gly1438Val]TSQKYFNIDV

ClinVar aggregate classification (germline): Uncertain significance (1 of 4 stars; one submission).

Allele frequency attached by ClinVar (database versions not stated): TOPMed below 0.00001; gnomAD exomes 0.00002.
gnomAD v4.1: 23 of 1,612,492 alleles (0.0014%); highest among the groups gnomAD compares: Non-Finnish European, 0.002%; no homozygotes.

Submission:

Labcorp Genetics (formerly Invitae), Labcorp
Classification: Uncertain significance. Last evaluated: 2024-02-20. Review status: criteria provided, single submitter. Criteria: Invitae Variant Classification Sherloc (09022015). Collection method: clinical testing. Allele origin: germline.
Comment: This sequence change replaces glycine, which is neutral and non-polar, with valine, which is neutral and non-polar, at codon 1438 of the HMCN1 protein (p.Gly1438Val). This variant is not present in population databases (gnomAD no frequency). This variant has not been reported in the literature in individuals affected with HMCN1-related conditions. ClinVar contains an entry for this variant (Variation ID: 2168436). An algorithm developed to predict the effect of missense changes on protein structure and function (PolyPhen-2) suggests that this variant is likely to be disruptive. In summary, the available evidence is currently insufficient to determine the role of this variant in disease. Therefore, it has been classified as a Variant of Uncertain Significance.